The following is an entry in ClinVar:

ClinVar aggregate classification (germline): Uncertain significance (1 of 4 stars; one submission).

Conditions:
Joubert syndrome. Also called: CEREBELLOPARENCHYMAL DISORDER IV; JOUBERT-BOLTSHAUSER SYNDROME; Familial aplasia of the vermis. Identifiers: Orphanet 475, MedGen C5979921, MONDO:0018772.

Submission:

Labcorp Genetics (formerly Invitae), Labcorp
Classification: Uncertain significance for Joubert syndrome. Last evaluated: 2021-12-13. Review status: criteria provided, single submitter. Criteria: Invitae Variant Classification Sherloc (09022015). Collection method: clinical testing. Allele origin: germline.
Comment: In summary, the available evidence is currently insufficient to determine the role of this variant in disease. Therefore, it has been classified as a Variant of Uncertain Significance. Advanced modeling of protein sequence and biophysical properties (such as structural, functional, and spatial information, amino acid conservation, physicochemical variation, residue mobility, and thermodynamic stability) performed at Invitae indicates that this missense variant is not expected to disrupt AHI1 protein function. This variant has not been reported in the literature in individuals affected with AHI1-related conditions. This variant is not present in population databases (gnomAD no frequency). This sequence change replaces serine, which is neutral and polar, with asparagine, which is neutral and polar, at codon 1108 of the AHI1 protein (p.Ser1108Asn).

NM_001134831.2(AHI1):c.3323G>A (p.Ser1108Asn)

Gene: AHI1 (Abelson helper integration site 1; minus strand). Cytogenetic location: 6q23.3.
Variant type: single nucleotide variant.
Coding change: c.3323G>A on transcript NM_001134831.2 (MANE Select); coding-DNA position 3323, G replaced by A.
Protein change: p.Ser1108Asn; replaces serine 1108 with asparagine.
Molecular consequence: missense variant.
Genome position (GRCh38, 1-based): chr6:135,323,167, C>T on the plus strand (G>A on the coding strand, the complement: AHI1 is on the minus strand). VCF-style: chr6-135323167-C-T. GRCh37 (hg19) VCF-style: chr6-135644305-C-T.
Other names: c.3323G>A, p.Ser1108Asn (NM_001134830.2, NM_001350503.2, NM_001350504.2 and 1 more transcripts); short protein forms S1108N.
Identifiers: ClinVar variation 2041657 (VCV002041657.4), dbSNP rs2483264588, ClinGen allele CA365845375.